The following is an entry in ClinVar:

ClinVar aggregate classification (germline): Uncertain significance (1 of 4 stars; one submission).

Conditions:
Chuvash polycythemia. Also called: POLYCYTHEMIA, VHL-DEPENDENT. Identifiers: Orphanet 238557, MedGen C1837915, MONDO:0009892, OMIM 263400.
Von Hippel-Lindau syndrome (VHLS). Also called: Von Hippel-Lindau; von Hippel–Lindau syndrome; VHL syndrome. Identifiers: Orphanet 892, MedGen C0019562, MONDO:0008667, OMIM 193300. Disease mechanism: loss of function.

Submission:

Labcorp Genetics (formerly Invitae), Labcorp
Classification: Uncertain significance for Von Hippel-Lindau syndrome; Chuvash polycythemia. Last evaluated: 2025-06-29. Review status: criteria provided, single submitter. Criteria: Invitae Variant Classification Sherloc (09022015). Collection method: clinical testing. Allele origin: germline.
Comment: This variant occurs in a non-coding region of the VHL gene. It does not change the encoded amino acid sequence of the VHL protein. This variant is not present in population databases (gnomAD no frequency). This variant has not been reported in the literature in individuals affected with VHL-related conditions. Experimental studies and prediction algorithms are not available or were not evaluated, and the functional significance of this variant is currently unknown. In summary, the available evidence is currently insufficient to determine the role of this variant in disease. Therefore, it has been classified as a Variant of Uncertain Significance.

NC_000003.12:g.10141764_10141799del

Gene: VHL (von Hippel-Lindau tumor suppressor; plus strand). Cytogenetic location: 3p25.3.
Variant type: Deletion.
Genome position: GRCh38: chr3:10,141,764-10,141,799. GRCh37 (hg19): chr3:10,183,448-10,183,483.
Identifiers: ClinVar variation 4785420 (VCV004785420.1).